The following is an entry in ClinVar:

ClinVar aggregate classification (germline): Uncertain significance. Review status: criteria provided, multiple submitters, no conflicts (2 of 4 stars). 2 submissions from 2 submitters: Uncertain significance (2). Last evaluated 2025-04-07.

Conditions:
Cardiovascular phenotype. Identifiers: MedGen CN230736.
Hypertrophic cardiomyopathy 14. Identifiers: MedGen C2750467, MONDO:0013197, OMIM 613251.

Submissions (2):

Ambry Genetics
Classification: Uncertain significance for Cardiovascular phenotype. Last evaluated: 2025-04-07. Review status: criteria provided, single submitter. Criteria: Ambry Variant Classification Scheme 2023. Collection method: clinical testing. Allele origin: germline.
Comment: The p.N975Y variant (also known as c.2923A>T), located in coding exon 20 of the MYH6 gene, results from an A to T substitution at nucleotide position 2923. The asparagine at codon 975 is replaced by tyrosine, an amino acid with dissimilar properties. This amino acid position is conserved. In addition, this alteration is predicted to be deleterious by in silico analysis. Since supporting evidence is limited at this time, the clinical significance of this alteration remains unclear.

Labcorp Genetics (formerly Invitae), Labcorp
Classification: Uncertain significance for Hypertrophic cardiomyopathy 14. Last evaluated: 2021-08-30. Review status: criteria provided, single submitter. Criteria: Invitae Variant Classification Sherloc (09022015). Collection method: clinical testing. Allele origin: germline.
Comment: In summary, the available evidence is currently insufficient to determine the role of this variant in disease. Therefore, it has been classified as a Variant of Uncertain Significance. This sequence change replaces asparagine with tyrosine at codon 975 of the MYH6 protein (p.Asn975Tyr). The asparagine residue is weakly conserved and there is a large physicochemical difference between asparagine and tyrosine. This variant is not present in population databases (ExAC no frequency). This variant has not been reported in the literature in individuals affected with MYH6-related conditions. Algorithms developed to predict the effect of missense changes on protein structure and function are either unavailable or do not agree on the potential impact of this missense change (SIFT: "Tolerated"; PolyPhen-2: "Probably Damaging"; Align-GVGD: "Class C0").

NM_002471.4(MYH6):c.2923A>T (p.Asn975Tyr)

Gene: MYH6 (myosin heavy chain 6; minus strand). Cytogenetic location: 14q11.2.
Variant type: single nucleotide variant.
Coding change: c.2923A>T on transcript NM_002471.4 (MANE Select); coding-DNA position 2923, A replaced by T.
Protein change: p.Asn975Tyr; replaces asparagine 975 with tyrosine.
Molecular consequence: missense variant.
Genome position (GRCh38, 1-based): chr14:23,393,671, T>A on the plus strand (A>T on the coding strand, the complement: MYH6 is on the minus strand). VCF-style: chr14-23393671-T-A. GRCh37 (hg19) VCF-style: chr14-23862880-T-A.
Other names: c.2923A>T (NM_002471.3); short protein forms N975Y.
Identifiers: ClinVar variation 1356289 (VCV001356289.8), dbSNP rs2138598703, ClinGen allele CA389011680.
Genomic context (GRCh38, chr14:23,393,671, plus strand): 5'-CTAGTCTGGGAGTCTTGAGGAGACCTGGGCTGAAGCCAGAGGGAGCTGCCCTCACCTTGT[T>A]CTCTGTTGCATGCTTCTCCTTCTCCACCTTGGCCAGTGTCAGCTCCAGGTCATCAATGTC-3'
Protein context (NP_002462.2, residues 965-985): KVEKEKHATE[Asn975Tyr]KVKNLTEEMA